The following is an entry in ClinVar:

ClinVar aggregate classification (germline): Uncertain significance. Review status: criteria provided, multiple submitters, no conflicts (2 of 4 stars). 2 submissions from 2 submitters: Uncertain significance (2). Last evaluated 2025-09-28.

Conditions:
Inborn genetic diseases. Identifiers: MedGen C0950123, MeSH D030342.

Allele frequency attached by ClinVar (database versions not stated): gnomAD 0.00001; TOPMed 0.00001.
gnomAD v4.1: 4 of 1,613,934 alleles (0.00025%); highest among the groups gnomAD compares: African/African-American, 0.0053%; no homozygotes.

Submissions (2):

Ambry Genetics
Classification: Uncertain significance for Inborn genetic diseases. Last evaluated: 2025-09-28. Review status: criteria provided, single submitter. Criteria: Ambry Variant Classification Scheme 2023. Collection method: clinical testing. Allele origin: germline.

Labcorp Genetics (formerly Invitae), Labcorp
Classification: Uncertain significance. Last evaluated: 2025-06-12. Review status: criteria provided, single submitter. Criteria: Invitae Variant Classification Sherloc (09022015). Collection method: clinical testing. Allele origin: germline.
Comment: This sequence change replaces alanine, which is neutral and non-polar, with serine, which is neutral and polar, at codon 360 of the NRIP1 protein (p.Ala360Ser). This variant is present in population databases (rs774898014, gnomAD 0.02%). This variant has not been reported in the literature in individuals affected with NRIP1-related conditions. ClinVar contains an entry for this variant (Variation ID: 1945622). An algorithm developed to predict the effect of missense changes on protein structure and function outputs the following: PolyPhen-2: "Benign". The serine amino acid residue is found in multiple mammalian species, which suggests that this missense change does not adversely affect protein function. In summary, the available evidence is currently insufficient to determine the role of this variant in disease. Therefore, it has been classified as a Variant of Uncertain Significance.

NM_003489.4(NRIP1):c.1078G>T (p.Ala360Ser)

Gene: NRIP1 (nuclear receptor interacting protein 1; minus strand). Cytogenetic location: 21q11.2.
Variant type: single nucleotide variant.
Coding change: c.1078G>T on transcript NM_003489.4 (MANE Select); coding-DNA position 1078, G replaced by T.
Protein change: p.Ala360Ser; replaces alanine 360 with serine.
Molecular consequence: missense variant.
Genome position (GRCh38, 1-based): chr21:14,967,115, C>A on the plus strand (G>T on the coding strand, the complement: NRIP1 is on the minus strand). VCF-style: chr21-14967115-C-A. GRCh37 (hg19) VCF-style: chr21-16339436-C-A.
Other names: c.1078G>T (NM_003489.3); short protein forms A360S.
Identifiers: ClinVar variation 1945622 (VCV001945622.6), dbSNP rs774898014, ClinGen allele CA9981395.
Genomic context (GRCh38, chr21:14,967,115, plus strand): 5'-GCAAACTATTGTTAGCAGCTTGTTTTATATTGTTTCTTTCCAGTGAGTTCTTATAACCTG[C>A]ATTTTTAGGGGAAGAAGGAATGATACCCATTGGATTTTGAAACACTGTAGCACTACTTTT-3'
Protein context (NP_003480.2, residues 350-370): MGIIPSSPKN[Ala360Ser]GYKNSLERNN